The following is an entry in ClinVar:

NM_017636.4(TRPM4):c.49A>G (p.Lys17Glu)

Gene: TRPM4 (transient receptor potential cation channel subfamily M member 4; plus strand). Cytogenetic location: 19q13.33.
Variant type: single nucleotide variant.
Coding change: c.49A>G on transcript NM_017636.4 (MANE Select); coding-DNA position 49, A replaced by G.
Protein change: p.Lys17Glu; replaces lysine 17 with glutamic acid.
Molecular consequence: missense variant. On other transcripts: 5 prime UTR variant (3).
Genome position (GRCh38, 1-based): chr19:49,158,216, A>G. VCF-style: chr19-49158216-A-G. GRCh37 (hg19) VCF-style: chr19-49661473-A-G.
Other names: c.49A>G, p.Lys17Glu (NM_001195227.2, NM_001321281.2); c.-1324A>G (NM_001321282.2); c.-118A>G (NM_001321283.2); c.-281A>G (NM_001321285.2); short protein forms K17E.
Identifiers: ClinVar variation 3227032 (VCV003227032.3), dbSNP rs2514024580, ClinGen allele CA406787952.

ClinVar aggregate classification (germline): Uncertain significance. Review status: criteria provided, multiple submitters, no conflicts (2 of 4 stars). 2 submissions from 2 submitters: Uncertain significance (2). Last evaluated 2025-01-20.

Conditions:
Progressive familial heart block type IB (PFHB1B). Identifiers: Orphanet 871, MedGen C1970298, MONDO:0011474, OMIM 604559.
Cardiovascular phenotype. Identifiers: MedGen CN230736.

Submissions (2):

Labcorp Genetics (formerly Invitae), Labcorp
Classification: Uncertain significance for Progressive familial heart block type IB. Last evaluated: 2025-01-20. Review status: criteria provided, single submitter. Criteria: Invitae Variant Classification Sherloc (09022015). Collection method: clinical testing. Allele origin: germline.
Comment: This sequence change replaces lysine, which is basic and polar, with glutamic acid, which is acidic and polar, at codon 17 of the TRPM4 protein (p.Lys17Glu). This variant is not present in population databases (gnomAD no frequency). This variant has not been reported in the literature in individuals affected with TRPM4-related conditions. ClinVar contains an entry for this variant (Variation ID: 3227032). An algorithm developed to predict the effect of missense changes on protein structure and function (PolyPhen-2) suggests that this variant is likely to be disruptive. In summary, the available evidence is currently insufficient to determine the role of this variant in disease. Therefore, it has been classified as a Variant of Uncertain Significance.

Ambry Genetics
Classification: Uncertain significance for Cardiovascular phenotype. Last evaluated: 2024-02-03. Review status: criteria provided, single submitter. Criteria: Ambry Variant Classification Scheme 2023. Collection method: clinical testing. Allele origin: germline.
Comment: The p.K17E variant (also known as c.49A>G), located in coding exon 2 of the TRPM4 gene, results from an A to G substitution at nucleotide position 49. The lysine at codon 17 is replaced by glutamic acid, an amino acid with similar properties. This amino acid position is conserved. In addition, the in silico prediction for this alteration is inconclusive. Based on the available evidence, the clinical significance of this alteration remains unclear.